The following is an entry in ClinVar:

ClinVar aggregate classification (germline): Likely benign. Review status: criteria provided, multiple submitters, no conflicts (2 of 4 stars). 2 submissions from 2 submitters: Likely benign (2). Last evaluated 2025-11-01.

Allele frequency attached by ClinVar (database versions not stated): 1000 Genomes Project 30x 0.00016; 1000 Genomes Project 0.00020; TOPMed 0.00060; gnomAD 0.00067; gnomAD exomes 0.00071; ExAC 0.00210.

Submissions (2):

CeGaT Center for Human Genetics Tuebingen
Classification: Likely benign. Last evaluated: 2025-11-01. Review status: criteria provided, single submitter. Criteria: CeGaT Center For Human Genetics Tuebingen Variant Classification Criteria Version 2. Collection method: clinical testing. Allele origin: germline. Affected: yes. Observed: 2 variant alleles.
Comment: CHRNA7: BP4, BP7, BS2

Labcorp Genetics (formerly Invitae), Labcorp
Classification: Likely benign. Last evaluated: 2019-12-31. Review status: criteria provided, single submitter. Criteria: Invitae Variant Classification Sherloc (09022015). Collection method: clinical testing. Allele origin: germline.

NM_000746.6(CHRNA7):c.874T>C (p.Leu292=)

Gene: CHRNA7 (cholinergic receptor nicotinic alpha 7 subunit). Cytogenetic location: 15q13.3.
Variant type: single nucleotide variant.
Coding change: c.874T>C on transcript NM_000746.6 (MANE Select); coding-DNA position 874, T replaced by C.
Protein change: p.Leu292=; no amino-acid change (leucine 292 retained).
Molecular consequence: synonymous variant. On other transcripts: non-coding transcript variant (1).
Genome position (GRCh38, 1-based): chr15:32,159,649, T>C. VCF-style: chr15-32159649-T-C. GRCh37 (hg19) VCF-style: chr15-32451850-T-C.
Other names: c.961T>C, p.Leu321= (NM_001190455.3).
Identifiers: ClinVar variation 732724 (VCV000732724.14), dbSNP rs552223025, ClinGen allele CA7454334.